The following is an entry in ClinVar:

NM_001349798.2(FBXW7):c.1112A>G (p.Lys371Arg)

Gene: FBXW7 (F-box and WD repeat domain containing 7; minus strand). Cytogenetic location: 4q31.3.
Variant type: single nucleotide variant.
Coding change: c.1112A>G on transcript NM_001349798.2 (MANE Select); coding-DNA position 1112, A replaced by G.
Protein change: p.Lys371Arg; replaces lysine 371 with arginine.
Molecular consequence: missense variant.
Genome position (GRCh38, 1-based): chr4:152,330,742, T>C on the plus strand (A>G on the coding strand, the complement: FBXW7 is on the minus strand). VCF-style: chr4-152330742-T-C. GRCh37 (hg19) VCF-style: chr4-153251894-T-C.
Other names: c.758A>G, p.Lys253Arg (NM_001013415.2); c.872A>G, p.Lys291Arg (NM_018315.5); c.1112A>G, p.Lys371Arg (NM_033632.3); short protein forms K291R, K253R, K371R.
Identifiers: ClinVar variation 3631740 (VCV003631740.2).
Genomic context (GRCh38, chr4:152,330,742, plus strand): 5'-GTACTAACACTGATTAACGGTTTCTGTTACATTGTGCAGAGTTCAGTTACCTTAGGAGAT[T>C]TGAGTTCTCCTCGCCTCCAGTTAGTATCAATTCTGTGCTGTCTGATGTATGCACTTTTCC-3'
Protein context (NP_001336727.1, residues 361-381): IDTNWRRGEL[Lys371Arg]SPKVLKGHDD

ClinVar aggregate classification (germline): Uncertain significance (1 of 4 stars; one submission).

gnomAD v4.1: 2 of 1,612,076 alleles (0.00012%); highest among the groups gnomAD compares: Middle Eastern, 0.017%; no homozygotes.

Submission:

Labcorp Genetics (formerly Invitae), Labcorp
Classification: Uncertain significance. Last evaluated: 2024-05-28. Review status: criteria provided, single submitter. Criteria: Invitae Variant Classification Sherloc (09022015). Collection method: clinical testing. Allele origin: germline.
Comment: This sequence change replaces lysine, which is basic and polar, with arginine, which is basic and polar, at codon 371 of the FBXW7 protein (p.Lys371Arg). This variant is present in population databases (rs761747465, gnomAD 0.003%). This variant has not been reported in the literature in individuals affected with FBXW7-related conditions. Algorithms developed to predict the effect of missense changes on protein structure and function output the following: SIFT: "Not Available"; PolyPhen-2: "Benign"; Align-GVGD: "Not Available". The arginine amino acid residue is found in multiple mammalian species, which suggests that this missense change does not adversely affect protein function. In summary, the available evidence is currently insufficient to determine the role of this variant in disease. Therefore, it has been classified as a Variant of Uncertain Significance.